The following is an entry in ClinVar:

NM_005267.5(GJA8):c.227G>T (p.Arg76Leu)

Gene: GJA8 (gap junction protein alpha 8; plus strand). Cytogenetic location: 1q21.2.
Variant type: single nucleotide variant.
Coding change: c.227G>T on transcript NM_005267.5 (MANE Select); coding-DNA position 227, G replaced by T.
Protein change: p.Arg76Leu; replaces arginine 76 with leucine.
Molecular consequence: missense variant.
Genome position (GRCh38, 1-based): chr1:147,908,182, G>T. VCF-style: chr1-147908182-G-T. GRCh37 (hg19) VCF-style: chr1-147380309-G-T.
Other names: short protein forms R76L.
Identifiers: ClinVar variation 4999308 (VCV004999308.1).

ClinVar aggregate classification (germline): Likely pathogenic (1 of 4 stars; one submission).

Conditions:
GJA8-related disorder. Also called: GJA8-related condition.

Submission:

PreventionGenetics, part of Exact Sciences
Classification: Likely pathogenic for GJA8-related condition. Last evaluated: 2025-07-31. Review status: criteria provided, single submitter. Criteria: ACMG Guidelines, 2015. Collection method: clinical testing. Allele origin: germline.
Comment: The GJA8 c.227G>T variant is predicted to result in the amino acid substitution p.Arg76Leu. To our knowledge, this variant has not been reported in the literature or in a large population database (gnomAD), indicating this variant is rare. However, other missense variants impacting the same amino acid (p.Arg76Gly, p.Arg76Cys, p.Arg76Ser, and p.Arg76His) have been documented in individuals and families with cataracts (Fernández-Alcalde et al. 2021. PubMed ID: 33923544; Reis et al. 2014. PubMed ID: 23508780; Yu et al. 2016. PubMed ID: 27216975; PreventionGenetics Internal Data). Based on this data, we interpret the c.227G>T (p.Arg76Leu) variant as likely pathogenic.